The following is an entry in ClinVar:

NM_001292063.2(OTOG):c.6637C>T (p.Gln2213Ter)

Gene: OTOG (otogelin; plus strand). Cytogenetic location: 11p15.1.
Variant type: single nucleotide variant.
Coding change: c.6637C>T on transcript NM_001292063.2 (MANE Select); coding-DNA position 6637, C replaced by T.
Protein change: p.Gln2213Ter; replaces glutamine 2213 with a stop codon.
Molecular consequence: nonsense.
Genome position (GRCh38, 1-based): chr11:17,629,241, C>T. VCF-style: chr11-17629241-C-T. GRCh37 (hg19) VCF-style: chr11-17650788-C-T.
Other names: c.6673C>T, p.Gln2225Ter (NM_001277269.2); short protein forms Q2225*, Q2213*.
Identifiers: ClinVar variation 1375656 (VCV001375656.6), dbSNP rs923873445, ClinGen allele CA218493687.

ClinVar aggregate classification (germline): Pathogenic (1 of 4 stars; one submission).

Allele frequency attached by ClinVar (database versions not stated): gnomAD exomes below 0.00001.
gnomAD v4.1: 5 of 1,550,622 alleles (0.00032%); highest among the groups gnomAD compares: South Asian, 0.0012%; no homozygotes.

Submission:

Labcorp Genetics (formerly Invitae), Labcorp
Classification: Pathogenic. Last evaluated: 2022-08-16. Review status: criteria provided, single submitter. Criteria: Invitae Variant Classification Sherloc (09022015). Collection method: clinical testing. Allele origin: germline.
Comment: For these reasons, this variant has been classified as Pathogenic. Algorithms developed to predict the effect of sequence changes on RNA splicing suggest that this variant may disrupt the consensus splice site. ClinVar contains an entry for this variant (Variation ID: 1375656). This variant has not been reported in the literature in individuals affected with OTOG-related conditions. This variant is not present in population databases (gnomAD no frequency). This sequence change creates a premature translational stop signal (p.Gln2225*) in the OTOG gene. It is expected to result in an absent or disrupted protein product. Loss-of-function variants in OTOG are known to be pathogenic (PMID: 23122587).

Literature cited by the submitters: PubMed 23122587.